The following is an entry in ClinVar:

NM_024422.6(DSC2):c.779C>G (p.Thr260Ser)

Gene: DSC2 (desmocollin 2; minus strand). Cytogenetic location: 18q12.1.
Variant type: single nucleotide variant.
Coding change: c.779C>G on transcript NM_024422.6 (MANE Select); coding-DNA position 779, C replaced by G.
Protein change: p.Thr260Ser; replaces threonine 260 with serine.
Molecular consequence: missense variant.
Genome position (GRCh38, 1-based): chr18:31,086,739, G>C on the plus strand (C>G on the coding strand, the complement: DSC2 is on the minus strand). VCF-style: chr18-31086739-G-C. GRCh37 (hg19) VCF-style: chr18-28666702-G-C.
Other names: c.350C>G, p.Thr117Ser (NM_001406506.1, NM_001406507.1); c.779C>G, p.Thr260Ser (NM_004949.5); short protein forms T260S, T117S.
Identifiers: ClinVar variation 1924067 (VCV001924067.6), dbSNP rs2510951415, ClinGen allele CA402112382.
Genomic context (GRCh38, chr18:31,086,739, plus strand): 5'-AGGCGTGTGTGCATCGTGTCAGGCTCATCTTTGTCAGTAGCACACACTTGTCCCACAGTA[G>C]TGCCTAGAGAAGAAAAGTCCTTTTTAATCTCCAAAACATTCACATGTTCTATGTTCCCTT-3'
Protein context (NP_077740.1, residues 250-270): FTIFENCRVG[Thr260Ser]TVGQVCATDK

ClinVar aggregate classification (germline): Uncertain significance. Review status: criteria provided, multiple submitters, no conflicts (2 of 4 stars). 2 submissions from 2 submitters: Uncertain significance (2). Last evaluated 2025-10-23.

Conditions:
Familial isolated arrhythmogenic right ventricular dysplasia. Identifiers: Orphanet 217656, MedGen C4274968, MONDO:0016342.
Arrhythmogenic right ventricular dysplasia 11. Also called: Arrhythmogenic Right Ventricular Dysplasia/Cardiomyopathy11; ARRHYTHMOGENIC RIGHT VENTRICULAR DYSPLASIA, FAMILIAL, 11; Arrhythmogenic right ventricular dysplasia 11 with mild palmoplantar keratoderma and woolly hair. Identifiers: MedGen C1864850, MONDO:0012506, OMIM 610476.

gnomAD v4.1: 1 of 1,613,954 alleles (0.000062%); highest among the groups gnomAD compares: Non-Finnish European, 0.000085%; no homozygotes.

Submissions (2):

Labcorp Genetics (formerly Invitae), Labcorp
Classification: Uncertain significance for Arrhythmogenic right ventricular dysplasia 11. Last evaluated: 2025-10-23. Review status: criteria provided, single submitter. Criteria: Invitae Variant Classification Sherloc (09022015). Collection method: clinical testing. Allele origin: germline.
Comment: This sequence change replaces threonine, which is neutral and polar, with serine, which is neutral and polar, at codon 260 of the DSC2 protein (p.Thr260Ser). This variant is not present in population databases (gnomAD no frequency). This variant has not been reported in the literature in individuals affected with DSC2-related conditions. ClinVar contains an entry for this variant (Variation ID: 1924067). Invitae Evidence Modeling of protein sequence and biophysical properties (such as structural, functional, and spatial information, amino acid conservation, physicochemical variation, residue mobility, and thermodynamic stability) indicates that this missense variant is not expected to disrupt DSC2 protein function with a negative predictive value of 80%. In summary, the available evidence is currently insufficient to determine the role of this variant in disease. Therefore, it has been classified as a Variant of Uncertain Significance.

All of Us Research Program, National Institutes of Health
Classification: Uncertain significance for Familial isolated arrhythmogenic right ventricular dysplasia. Last evaluated: 2023-09-17. Review status: criteria provided, single submitter. Criteria: ACMG Guidelines, 2015. Collection method: clinical testing. Allele origin: germline. Inheritance: Autosomal dominant inheritance. Observed: 1 variant allele, 1 heterozygote.
Comment: This missense variant replaces threonine with serine at codon 260 of the DSC2 protein. Computational prediction suggests that this variant may not impact protein structure and function (internally defined REVEL score threshold <= 0.5, PMID: 27666373). To our knowledge, functional studies have not been reported for this variant. This variant has not been reported in individuals affected with DSC2-related disorders in the literature. This variant has not been identified in the general population by the Genome Aggregation Database (gnomAD). The available evidence is insufficient to determine the role of this variant in disease conclusively. Therefore, this variant is classified as a Variant of Uncertain Significance.

This study involves interpretation of variants in research participants for the purpose of population health screening. Participant phenotype was not available at the time of variant classification. Additional details can be found in publication PMID: 35346344, PMCID: PMC8962531